The following is an entry in ClinVar:

ClinVar aggregate classification (germline): Uncertain significance (1 of 4 stars; one submission).

Conditions:
Mitochondrial complex II deficiency, nuclear type 1. Also called: SUCCINATE CoQ REDUCTASE DEFICIENCY. Identifiers: Orphanet 3208, MedGen C5700310, MONDO:0100294, OMIM 252011.
Pheochromocytoma/paraganglioma syndrome 5. Also called: Paragangliomas 5; SDHA-Related Hereditary Paraganglioma-Pheochromocytoma Syndrome. Identifiers: Orphanet 29072, MedGen C3279992, MONDO:0013602, OMIM 614165.

gnomAD v4.1: 1 of 1,613,964 alleles (0.000062%); highest among the groups gnomAD compares: African/African-American, 0.0013%; no homozygotes.

Submission:

Labcorp Genetics (formerly Invitae), Labcorp
Classification: Uncertain significance for Pheochromocytoma/paraganglioma syndrome 5; Mitochondrial complex II deficiency, nuclear type 1. Last evaluated: 2024-11-08. Review status: criteria provided, single submitter. Criteria: Invitae Variant Classification Sherloc (09022015). Collection method: clinical testing. Allele origin: germline.
Comment: This sequence change replaces proline, which is neutral and non-polar, with leucine, which is neutral and non-polar, at codon 359 of the SDHA protein (p.Pro359Leu). This variant is not present in population databases (gnomAD no frequency). This variant has not been reported in the literature in individuals affected with SDHA-related conditions. Invitae Evidence Modeling of protein sequence and biophysical properties (such as structural, functional, and spatial information, amino acid conservation, physicochemical variation, residue mobility, and thermodynamic stability) indicates that this missense variant is not expected to disrupt SDHA protein function with a negative predictive value of 95%. In summary, the available evidence is currently insufficient to determine the role of this variant in disease. Therefore, it has been classified as a Variant of Uncertain Significance.

NM_004168.4(SDHA):c.1076C>T (p.Pro359Leu)

Gene: SDHA (succinate dehydrogenase complex flavoprotein subunit A; plus strand). Cytogenetic location: 5p15.33.
Variant type: single nucleotide variant.
Coding change: c.1076C>T on transcript NM_004168.4 (MANE Select); coding-DNA position 1076, C replaced by T.
Protein change: p.Pro359Leu; replaces proline 359 with leucine.
Molecular consequence: missense variant.
Genome position (GRCh38, 1-based): chr5:235,155, C>T. VCF-style: chr5-235155-C-T. GRCh37 (hg19) VCF-style: chr5-235270-C-T.
Other names: c.932C>T, p.Pro311Leu (NM_001294332.2); c.1076C>T, p.Pro359Leu (NM_001330758.2); short protein forms P311L, P359L.
Identifiers: ClinVar variation 3754196 (VCV003754196.2).